The following is an entry in ClinVar:

ClinVar aggregate classification (germline): Pathogenic. Review status: criteria provided, multiple submitters, no conflicts (2 of 4 stars). 3 submissions from 3 submitters: Pathogenic (3). Last evaluated 2024-11-20.

Conditions:
Neurofibromatosis, type 1 (NF1). Also called: Neurofibromatosis, type I; NEUROFIBROMATOSIS, TYPE I, SOMATIC; Peripheral type neurofibromatosis; VON RECKLINGHAUSEN DISEASE. Identifiers: Orphanet 636, MedGen C0027831, MONDO:0018975, OMIM 162200. Disease mechanism: loss of function.

Submissions (3):

GeneDx
Classification: Pathogenic. Last evaluated: 2024-11-20. Review status: criteria provided, single submitter. Criteria: GeneDx Variant Classification Process June 2021. Collection method: clinical testing. Allele origin: germline. Affected: yes.
Comment: Nonsense variant predicted to result in protein truncation or nonsense mediated decay in a gene for which loss of function is a known mechanism of disease; Not observed at significant frequency in large population cohorts (gnomAD); This variant is associated with the following publications: (PMID: 25525159, 21362601)

Labcorp Genetics (formerly Invitae), Labcorp
Classification: Pathogenic for Neurofibromatosis, type 1. Last evaluated: 2023-02-11. Review status: criteria provided, single submitter. Criteria: Invitae Variant Classification Sherloc (09022015). Collection method: clinical testing. Allele origin: germline.
Comment: This variant is not present in population databases (gnomAD no frequency). This sequence change creates a premature translational stop signal (p.Glu1438*) in the NF1 gene. It is expected to result in an absent or disrupted protein product. Loss-of-function variants in NF1 are known to be pathogenic (PMID: 10712197, 23913538). This premature translational stop signal has been observed in individual(s) with neurofibromatosis type 1 (PMID: 21362601). For these reasons, this variant has been classified as Pathogenic. ClinVar contains an entry for this variant (Variation ID: 645094).

Clinical Genetics Service, Universitary Hospital 12 de Octubre
Classification: Pathogenic for Neurofibromatosis, type 1. Review status: criteria provided, single submitter. Criteria: ACMG Guidelines, 2015. Collection method: clinical testing. Allele origin: germline. Affected: yes.

Literature cited by the submitters: PubMed 10712197 (cited by Labcorp Genetics (formerly Invitae), Labcorp); PubMed 23913538 (cited by Labcorp Genetics (formerly Invitae), Labcorp); PubMed 21362601 (cited by Labcorp Genetics (formerly Invitae), Labcorp).

NM_001042492.3(NF1):c.4375G>T (p.Glu1459Ter)

Gene: NF1 (neurofibromin 1; plus strand). Cytogenetic location: 17q11.2.
Variant type: single nucleotide variant.
Coding change: c.4375G>T on transcript NM_001042492.3 (MANE Select); coding-DNA position 4375, G replaced by T.
Protein change: p.Glu1459Ter; replaces glutamic acid 1459 with a stop codon.
Molecular consequence: nonsense.
Genome position (GRCh38, 1-based): chr17:31,259,074, G>T. VCF-style: chr17-31259074-G-T. GRCh37 (hg19) VCF-style: chr17-29586092-G-T.
Other names: c.4312G>T, p.Glu1438Ter (NM_000267.4); short protein forms E1438*, E1459*.
Identifiers: ClinVar variation 645094 (VCV000645094.7), dbSNP rs1597745663, ClinGen allele CA398998822.
Genomic context (GRCh38, chr17:31,259,074, plus strand): 5'-CCCTGTTTTATTGTGTAGATACTTCAGAGTATTGCCAATCATGTTCTCTTCACAAAAGAA[G>T]AACATATGCGGCCTTTCAATGATTTTGTGAAAAGCAACTTTGATGCAGCACGCAGGTAAT-3'